The following is an entry in ClinVar:

ClinVar aggregate classification (germline): Uncertain significance (1 of 4 stars; one submission).

Submission:

Labcorp Genetics (formerly Invitae), Labcorp
Classification: Uncertain significance. Last evaluated: 2022-06-05. Review status: criteria provided, single submitter. Criteria: Invitae Variant Classification Sherloc (09022015). Collection method: clinical testing. Allele origin: germline.
Comment: This sequence change replaces leucine, which is neutral and non-polar, with proline, which is neutral and non-polar, at codon 335 of the KANK1 protein (p.Leu335Pro). In summary, the available evidence is currently insufficient to determine the role of this variant in disease. Therefore, it has been classified as a Variant of Uncertain Significance. Algorithms developed to predict the effect of missense changes on protein structure and function are either unavailable or do not agree on the potential impact of this missense change (SIFT: "Deleterious"; PolyPhen-2: "Benign"; Align-GVGD: "Class C0"). ClinVar contains an entry for this variant (Variation ID: 1395320). This variant has not been reported in the literature in individuals affected with KANK1-related conditions. This variant is not present in population databases (gnomAD no frequency).

NM_015158.5(KANK1):c.1004T>C (p.Leu335Pro)

Gene: KANK1 (KN motif and ankyrin repeat domains 1; plus strand). Cytogenetic location: 9p24.3.
Variant type: single nucleotide variant.
Coding change: c.1004T>C on transcript NM_015158.5 (MANE Select); coding-DNA position 1004, T replaced by C.
Protein change: p.Leu335Pro; replaces leucine 335 with proline.
Molecular consequence: missense variant. On other transcripts: non-coding transcript variant (1).
Genome position (GRCh38, 1-based): chr9:711,770, T>C. VCF-style: chr9-711770-T-C. GRCh37 (hg19) VCF-style: chr9-711770-T-C.
Other names: c.1004T>C, p.Leu335Pro (NM_001256876.3, NM_001256877.3, NM_001354331.2 and 2 more transcripts); c.530T>C, p.Leu177Pro (NM_001354333.2, NM_153186.6, NM_001354335.2 and 9 more transcripts); short protein forms L177P, L335P.
Identifiers: ClinVar variation 1395320 (VCV001395320.6), dbSNP rs2130924908, ClinGen allele CA372747314.
Genomic context (GRCh38, chr9:711,770, plus strand): 5'-ATGTCTGTGGTGTGAGGAAGCGGTCCTATAGTGCGGGGAACGCCTCCCAGCTGGAACAGC[T>C]CTCCCGGGCCCGAAGAAGTGGCGGGGAATTATACATTGACTATGAGGAGGAAGAAATGGA-3'
Protein context (NP_055973.2, residues 325-345): SAGNASQLEQ[Leu335Pro]SRARRSGGEL